The following is an entry in ClinVar:

ClinVar aggregate classification (germline): Likely benign (1 of 4 stars; one submission).

gnomAD v4.1: 7 of 1,614,066 alleles (0.00043%); highest among the groups gnomAD compares: African/African-American, 0.004%; no homozygotes.

Submission:

GeneDx
Classification: Likely benign. Last evaluated: 2020-07-23. Review status: criteria provided, single submitter. Criteria: GeneDx Variant Classification Process June 2021. Collection method: clinical testing. Allele origin: germline. Affected: yes.
Comment: See Variant Classification Assertion Criteria.

NM_016628.5(WAC):c.971C>T (p.Thr324Met)

Gene: WAC (WW domain containing adaptor with coiled-coil; plus strand). Cytogenetic location: 10p12.1.
Variant type: single nucleotide variant.
Coding change: c.971C>T on transcript NM_016628.5 (MANE Select); coding-DNA position 971, C replaced by T.
Protein change: p.Thr324Met; replaces threonine 324 with methionine.
Molecular consequence: missense variant.
Genome position (GRCh38, 1-based): chr10:28,608,237, C>T. VCF-style: chr10-28608237-C-T. GRCh37 (hg19) VCF-style: chr10-28897166-C-T.
Other names: c.836C>T, p.Thr279Met (NM_100264.3); c.662C>T, p.Thr221Met (NM_100486.4); short protein forms T221M, T279M, T324M.
Identifiers: ClinVar variation 1678846 (VCV001678846.2), dbSNP rs749833737, ClinGen allele CA5454926.